The following is an entry in ClinVar:

NM_006033.4(LIPG):c.1108G>A (p.Val370Ile)

Gene: LIPG (lipase G, endothelial type; plus strand). Cytogenetic location: 18q21.1.
Variant type: single nucleotide variant.
Coding change: c.1108G>A on transcript NM_006033.4 (MANE Select); coding-DNA position 1108, G replaced by A.
Protein change: p.Val370Ile; replaces valine 370 with isoleucine.
Molecular consequence: missense variant.
Genome position (GRCh38, 1-based): chr18:49,582,433, G>A. VCF-style: chr18-49582433-G-A. GRCh37 (hg19) VCF-style: chr18-47108803-G-A.
Other names: c.886G>A, p.Val296Ile (NM_001308006.2); short protein forms V370I, V296I.
Identifiers: ClinVar variation 2080567 (VCV002080567.4), dbSNP rs201407808, ClinGen allele CA8959301.

ClinVar aggregate classification (germline): Uncertain significance (1 of 4 stars; one submission).

Allele frequency attached by ClinVar (database versions not stated): TOPMed 0.00005; gnomAD 0.00006; ExAC 0.00007; gnomAD exomes 0.00012; 1000 Genomes Project 30x 0.00016; ESP Exome Variant Server 0.00008; 1000 Genomes Project 0.00020.
gnomAD v4.1: 183 of 1,614,122 alleles (0.011%); highest among the groups gnomAD compares: Non-Finnish European, 0.015%; no homozygotes.

Submission:

Labcorp Genetics (formerly Invitae), Labcorp
Classification: Uncertain significance. Last evaluated: 2026-02-03. Review status: criteria provided, single submitter. Criteria: Invitae Variant Classification Sherloc (09022015). Collection method: clinical testing. Allele origin: germline.
Comment: This sequence change replaces valine, which is neutral and non-polar, with isoleucine, which is neutral and non-polar, at codon 370 of the LIPG protein (p.Val370Ile). This variant is present in population databases (rs201407808, gnomAD 0.01%). This variant has not been reported in the literature in individuals affected with LIPG-related conditions. ClinVar contains an entry for this variant (Variation ID: 2080567). An algorithm developed to predict the effect of missense changes on protein structure and function outputs the following: PolyPhen-2: "Possibly Damaging". The isoleucine amino acid residue is found in multiple mammalian species, which suggests that this missense change does not adversely affect protein function. In summary, the available evidence is currently insufficient to determine the role of this variant in disease. Therefore, it has been classified as a Variant of Uncertain Significance.